The following is an entry in ClinVar:

ClinVar aggregate classification (germline): Uncertain significance (1 of 4 stars; one submission).

Conditions:
Neurofibromatosis, type 1 (NF1). Also called: NEUROFIBROMATOSIS, TYPE I, SOMATIC; VON RECKLINGHAUSEN DISEASE; Peripheral type neurofibromatosis; Neurofibromatosis, type I. Identifiers: Orphanet 636, MedGen C0027831, MONDO:0018975, OMIM 162200. Disease mechanism: loss of function.

Submission:

Labcorp Genetics (formerly Invitae), Labcorp
Classification: Uncertain significance for Neurofibromatosis, type 1. Last evaluated: 2021-08-06. Review status: criteria provided, single submitter. Criteria: Invitae Variant Classification Sherloc (09022015). Collection method: clinical testing. Allele origin: germline.
Comment: This sequence change replaces glycine with leucine at codon 127 of the NF1 protein (p.Gly127Leu). The glycine residue is highly conserved and there is a moderate physicochemical difference between glycine and leucine. In summary, the available evidence is currently insufficient to determine the role of this variant in disease. Therefore, it has been classified as a Variant of Uncertain Significance. Algorithms developed to predict the effect of missense changes on protein structure and function are either unavailable or do not agree on the potential impact of this missense change (SIFT: "Not Available"; PolyPhen-2: "Possibly Damaging"; Align-GVGD: "Not Available"). This variant has not been reported in the literature in individuals affected with NF1-related conditions. The frequency data for this variant in the population databases is not available, as this variant may be reported as separate entries in the ExAC database.

NM_001042492.3(NF1):c.379_380delinsTT (p.Gly127Leu)

Gene: NF1 (neurofibromin 1; plus strand). Cytogenetic location: 17q11.2.
Variant type: Indel.
Coding change: c.379_380delinsTT on transcript NM_001042492.3 (MANE Select); coding-DNA positions 379 to 380, GG replaced by TT.
Protein change: p.Gly127Leu; replaces glycine 127 with leucine.
Molecular consequence: missense variant.
Genome position (GRCh38, 1-based): chr17:31,163,276-31,163,277, GG replaced by TT. VCF-style: chr17-31163276-GG-TT. GRCh37 (hg19) VCF-style: chr17-29490294-GG-TT.
Other names: c.379_380delGGinsTT, p.Gly127Leu (NM_000267.4); c.379_380delinsTT, p.Gly127Leu (NM_001128147.3); short protein forms G127L.
Identifiers: ClinVar variation 1442399 (VCV001442399.6), dbSNP rs2143672112, ClinGen allele CA2573153574.